The following is an entry in ClinVar:

NM_004006.3(DMD):c.31+37111T>G

Gene: DMD (dystrophin; minus strand). Cytogenetic location: Xp21.1.
Variant type: single nucleotide variant.
Coding change: c.31+37111T>G on transcript NM_004006.3 (MANE Select); 37111 bases into the intron after coding-DNA position 31, T replaced by G.
Molecular consequence: intron variant.
Genome position (GRCh38, 1-based): chrX:33,174,171, A>C on the plus strand (T>G on the coding strand, the complement: DMD is on the minus strand). VCF-style: chrX-33174171-A-C. GRCh37 (hg19) VCF-style: chrX-33192288-A-C.
Other names: c.8-153971T>G (NM_000109.4).
Identifiers: ClinVar variation 679045 (VCV000679045.1), dbSNP rs111927240, ClinGen allele CA222359.

ClinVar aggregate classification (germline): Benign (1 of 4 stars; one submission).

Allele frequency attached by ClinVar (database versions not stated): 1000 Genomes Project 0.02781; gnomAD 0.02825 and 0.03029; 1000 Genomes Project 30x 0.02976; TOPMed 0.03366.
gnomAD v4.1: 3,079 of 110,155 alleles (2.8%); highest among the groups gnomAD compares: African/African-American, 9.6%; 128 homozygotes.

Submission:

GeneDx
Classification: Benign. Last evaluated: 2018-06-16. Review status: criteria provided, single submitter. Criteria: GeneDx Variant Classification (06012015). Collection method: clinical testing. Allele origin: germline. Affected: yes.
Comment: This variant is considered likely benign or benign based on one or more of the following criteria: it is a conservative change, it occurs at a poorly conserved position in the protein, it is predicted to be benign by multiple in silico algorithms, and/or has population frequency not consistent with disease.